The following is an entry in ClinVar:

NM_001184900.3(CARD8):c.350+1G>A

Gene: CARD8 (caspase recruitment domain family member 8; minus strand). Cytogenetic location: 19q13.33.
Variant type: single nucleotide variant.
Coding change: c.350+1G>A on transcript NM_001184900.3 (MANE Select); the canonical splice donor site of the intron after coding-DNA position 350, G replaced by A.
Molecular consequence: splice donor variant.
Genome position (GRCh38, 1-based): chr19:48,234,402, C>T on the plus strand (G>A on the coding strand, the complement: CARD8 is on the minus strand). VCF-style: chr19-48234402-C-T. GRCh37 (hg19) VCF-style: chr19-48737659-C-T.
Other names: c.76+1G>A (NM_001351787.2, NM_001351791.2, NM_001351792.2 and 2 more transcripts); c.200+1G>A (NM_001351788.2, NM_001351789.2, NM_014959.5 and 2 more transcripts); c.-139+1G>A (NM_001351786.2); c.148+1G>A (NM_001351790.2); c.350+1G>A (NM_001184902.2, NM_001351782.2, NM_001184903.1).
Identifiers: ClinVar variation 2121984 (VCV002121984.4), dbSNP rs1313958288, ClinGen allele CA406646839.

ClinVar aggregate classification (germline): Uncertain significance (1 of 4 stars; one submission).

Allele frequency attached by ClinVar (database versions not stated): gnomAD exomes below 0.00001.
gnomAD v4.1: 1 of 1,607,734 alleles (0.000062%); highest among the groups gnomAD compares: South Asian, 0.0011%; no homozygotes.

Submission:

Labcorp Genetics (formerly Invitae), Labcorp
Classification: Uncertain significance. Last evaluated: 2022-04-28. Review status: criteria provided, single submitter. Criteria: Invitae Variant Classification Sherloc (09022015). Collection method: clinical testing. Allele origin: germline.
Comment: This sequence change affects a donor splice site in intron 4 of the CARD8 gene. It is expected to disrupt RNA splicing. Variants that disrupt the donor or acceptor splice site typically lead to a loss of protein function (PMID: 16199547), however the current clinical and genetic evidence is not sufficient to establish whether loss-of-function variants in CARD8 cause disease. This variant is present in population databases (no rsID available, gnomAD 0.003%). This variant has not been reported in the literature in individuals affected with CARD8-related conditions. Algorithms developed to predict the effect of sequence changes on RNA splicing suggest that this variant may disrupt the consensus splice site. In summary, the available evidence is currently insufficient to determine the role of this variant in disease. Therefore, it has been classified as a Variant of Uncertain Significance.

Literature cited by the submitters: PubMed 16199547.